The following is an entry in ClinVar:

ClinVar aggregate classification (germline): Benign/Likely benign. Review status: criteria provided, multiple submitters, no conflicts (2 of 4 stars). 3 submissions from 3 submitters: Benign (1); Likely benign (1). 1 of the submissions does not count toward it. Last evaluated 2026-02-01.

Conditions:
Familial thoracic aortic aneurysm and aortic dissection (TAAD). Also called: Thoracic aortic aneurysms and dissections. Identifiers: Orphanet 91387, MedGen C4707243, MONDO:0019625.
ARIH1-related disorder. Also called: ARIH1-related condition.

Submissions (3):

Labcorp Genetics (formerly Invitae), Labcorp
Classification: Likely benign. Last evaluated: 2026-02-01. Review status: criteria provided, single submitter. Criteria: Invitae Variant Classification Sherloc (09022015). Collection method: clinical testing. Allele origin: germline.

CHEO Genetics Diagnostic Laboratory, Children's Hospital of Eastern Ontario
Classification: Benign for Familial thoracic aortic aneurysm and aortic dissection. Last evaluated: 2023-05-16. Review status: criteria provided, single submitter. Criteria: ACMG Guidelines, 2015. Collection method: clinical testing. Allele origin: germline.

PreventionGenetics, part of Exact Sciences
Classification: Benign for ARIH1-related condition. Last evaluated: 2019-12-05. Review status: no assertion criteria provided. Collection method: clinical testing. Allele origin: germline. Not counted in ClinVar's aggregate classification.
Comment: This variant is classified as benign based on ACMG/AMP sequence variant interpretation guidelines (Richards et al. 2015 PMID: 25741868, with internal and published modifications).

NM_005744.5(ARIH1):c.75GGA[3] (p.Glu28del)

Gene: ARIH1 (ariadne RBR E3 ubiquitin protein ligase 1; plus strand). Cytogenetic location: 15q24.1.
Variant type: Microsatellite.
Coding change: c.75GGA[3] on transcript NM_005744.5 (MANE Select); three copies in a row of the 3-base unit GGA starting at c.75; the reference has four copies in a row; one copy, 3 bases deleted; also written c.84_86del.
Protein change: p.Glu28del; deletes glutamic acid 28.
Molecular consequence: inframe deletion.
Genome position (GRCh38, 1-based): chr15:72,474,723-72,474,725, GGA deleted; deleting any 3 consecutive bases within chr15:72,474,712-72,474,725 gives the same sequence; the position shown is the placement nearest the transcript's 3' end. VCF-style (leftmost placement, unchanged base first): chr15-72474711-CGAG-C. GRCh37 (hg19) VCF-style: chr15-72767052-CGAG-C.
Other names: c.84_86del (NM_005744.3); c.84_86delGGA (NM_005744.3); short protein forms E28del.
Identifiers: ClinVar variation 1556148 (VCV001556148.11), dbSNP rs143905502, ClinGen allele CA7645413.
Genomic context (GRCh38, chr15:72,474,711, plus strand): 5'-CGAGGGCTACAACTACGAGTTCGACGAGGACGAGGAGTGCAGTGAGGAGGACAGCGGCGC[CGAG>C]GAGGAGGAGGACGAAGACGACGACGAGCCGGACGATGATACCCTGGATCTGGGCGAGGTG-3'